The following is an entry in ClinVar:

NM_005560.6(LAMA5):c.6951C>T (p.Ala2317=)

Gene: LAMA5 (laminin subunit alpha 5; minus strand). Cytogenetic location: 20q13.33.
Variant type: single nucleotide variant.
Coding change: c.6951C>T on transcript NM_005560.6 (MANE Select); coding-DNA position 6951, C replaced by T.
Protein change: p.Ala2317=; no amino-acid change (alanine 2317 retained).
Molecular consequence: synonymous variant.
Genome position (GRCh38, 1-based): chr20:62,318,934, G>A on the plus strand (C>T on the coding strand, the complement: LAMA5 is on the minus strand). VCF-style: chr20-62318934-G-A. GRCh37 (hg19) VCF-style: chr20-60893990-G-A.
Other names: c.6951C>T (NM_005560.4).
Identifiers: ClinVar variation 2652481 (VCV002652481.26), dbSNP rs770270506, ClinGen allele CA9941489.
Genomic context (GRCh38, chr20:62,318,934, plus strand): 5'-TGCTGCCTGCGGGGCCCCCAGGTCCCGGGCCCGCATCTCCCAGAGCAGCCGCTCCACCTC[G>A]GCCAGTGTCCGGAGCAGCTGCTCACCTGATGGAGCCGAGGCATTGGCCAGCCCCAGGTGG-3'
Protein context (NP_005551.3, residues 2307-2327): PSGEQLLRTL[Ala2317=]EVERLLWEMR

ClinVar aggregate classification (germline): Likely benign. Review status: criteria provided, multiple submitters, no conflicts (2 of 4 stars). 3 submissions from 3 submitters: Likely benign (2). 1 of the submissions does not count toward it. Last evaluated 2024-07-08.

Conditions:
LAMA5-related disorder. Also called: LAMA5-Related Disorders; LAMA5-related condition.

Allele frequency attached by ClinVar (database versions not stated): TOPMed 0.00003; ExAC 0.00006; gnomAD 0.00002; gnomAD exomes 0.00002.
gnomAD v4.1: 33 of 1,599,932 alleles (0.0021%); highest among the groups gnomAD compares: African/African-American, 0.004%; no homozygotes.

Submissions (3):

Labcorp Genetics (formerly Invitae), Labcorp
Classification: Likely benign. Last evaluated: 2024-07-08. Review status: criteria provided, single submitter. Criteria: Invitae Variant Classification Sherloc (09022015). Collection method: clinical testing. Allele origin: germline.

CeGaT Center for Human Genetics Tuebingen
Classification: Likely benign. Last evaluated: 2022-10-01. Review status: criteria provided, single submitter. Criteria: CeGaT Center For Human Genetics Tuebingen Variant Classification Criteria Version 2. Collection method: clinical testing. Allele origin: germline. Affected: yes. Observed: 1 variant allele.
Comment: LAMA5: BP4, BP7

PreventionGenetics, part of Exact Sciences
Classification: Likely benign for LAMA5-related condition. Last evaluated: 2024-09-03. Review status: no assertion criteria provided. Collection method: clinical testing. Allele origin: germline. Not counted in ClinVar's aggregate classification.
Comment: This variant is classified as likely benign based on ACMG/AMP sequence variant interpretation guidelines (Richards et al. 2015 PMID: 25741868, with internal and published modifications).